The following is an entry in ClinVar:

ClinVar aggregate classification (germline): Uncertain significance (1 of 4 stars; one submission).

Conditions:
Osteogenesis imperfecta type I (OI1). Also called: Lobstein's Disease; Lobstein disease; Classic Non-deforming Osteogenesis Imperfecta with Blue Sclerae; OI, TYPE I; OSTEOGENESIS IMPERFECTA TARDA; OSTEOGENESIS IMPERFECTA WITH BLUE SCLERAE. Identifiers: Orphanet 216796, Orphanet 666, MedGen C0023931, MONDO:0008146, OMIM 166200. Disease mechanism: loss of function.

Submission:

Labcorp Genetics (formerly Invitae), Labcorp
Classification: Uncertain significance for Osteogenesis imperfecta type I. Last evaluated: 2024-11-13. Review status: criteria provided, single submitter. Criteria: Invitae Variant Classification Sherloc (09022015). Collection method: clinical testing. Allele origin: germline.
Comment: This sequence change replaces lysine, which is basic and polar, with asparagine, which is neutral and polar, at codon 742 of the COL1A1 protein (p.Lys742Asn). This variant is present in population databases (no rsID available, gnomAD no frequency). This variant has not been reported in the literature in individuals affected with COL1A1-related conditions. Invitae Evidence Modeling of protein sequence and biophysical properties (such as structural, functional, and spatial information, amino acid conservation, physicochemical variation, residue mobility, and thermodynamic stability) has been performed for this missense variant. However, the output from this modeling did not meet the statistical confidence thresholds required to predict the impact of this variant on COL1A1 protein function. In summary, the available evidence is currently insufficient to determine the role of this variant in disease. Therefore, it has been classified as a Variant of Uncertain Significance.

NM_000088.4(COL1A1):c.2226G>C (p.Lys742Asn)

Gene: COL1A1 (collagen type I alpha 1 chain; minus strand). Cytogenetic location: 17q21.33.
Variant type: single nucleotide variant.
Coding change: c.2226G>C on transcript NM_000088.4 (MANE Select); coding-DNA position 2226, G replaced by C.
Protein change: p.Lys742Asn; replaces lysine 742 with asparagine.
Molecular consequence: missense variant.
Genome position (GRCh38, 1-based): chr17:50,191,392, C>G on the plus strand (G>C on the coding strand, the complement: COL1A1 is on the minus strand). VCF-style: chr17-50191392-C-G. GRCh37 (hg19) VCF-style: chr17-48268753-C-G.
Other names: short protein forms K742N.
Identifiers: ClinVar variation 3726505 (VCV003726505.2).